The following is an entry in ClinVar:

NM_025257.3(SLC44A4):c.22G>A (p.Glu8Lys)

Genes: EHMT2-AS1 (EHMT2 and SLC44A4 antisense RNA 1; plus strand), SLC44A4 (solute carrier family 44 member 4; minus strand). Cytogenetic location: 6p21.33.
Variant type: single nucleotide variant.
Coding change: c.22G>A on transcript NM_025257.3 (MANE Select); coding-DNA position 22, G replaced by A.
Protein change: p.Glu8Lys; replaces glutamic acid 8 with lysine.
Molecular consequence: missense variant.
Genome position (GRCh38, 1-based): chr6:31,878,959, C>T on the plus strand (G>A on the coding strand, the complement: SLC44A4 is on the minus strand). VCF-style: chr6-31878959-C-T. GRCh37 (hg19) VCF-style: chr6-31846736-C-T.
Other names: c.22G>A, p.Glu8Lys (NM_001178044.2); c.22G>A (NM_025257.2); short protein forms E8K.
Identifiers: ClinVar variation 1368898 (VCV001368898.10), dbSNP rs374954632, ClinGen allele CA3725877.

ClinVar aggregate classification (germline): Conflicting classifications of pathogenicity. Review status: criteria provided, conflicting classifications (1 of 4 stars). 3 submissions from 3 submitters: Uncertain significance (2); Likely benign (1). Last evaluated 2026-02-01.

Allele frequency attached by ClinVar (database versions not stated): ExAC 0.00006; ESP Exome Variant Server 0.00008; gnomAD 0.00008 and 0.00009; gnomAD exomes 0.00008; TOPMed 0.00008.
gnomAD v4.1: 177 of 1,613,784 alleles (0.011%); highest among the groups gnomAD compares: Non-Finnish European, 0.014%; no homozygotes.

Submissions (3):

Labcorp Genetics (formerly Invitae), Labcorp
Classification: Uncertain significance. Last evaluated: 2026-02-01. Review status: criteria provided, single submitter. Criteria: Invitae Variant Classification Sherloc (09022015). Collection method: clinical testing. Allele origin: germline.
Comment: This sequence change replaces glutamic acid, which is acidic and polar, with lysine, which is basic and polar, at codon 8 of the SLC44A4 protein (p.Glu8Lys). This variant is present in population databases (rs374954632, gnomAD 0.02%). This variant has not been reported in the literature in individuals affected with SLC44A4-related conditions. ClinVar contains an entry for this variant (Variation ID: 1368898). An algorithm developed to predict the effect of missense changes on protein structure and function outputs the following: PolyPhen-2: "Benign". The lysine amino acid residue is found in multiple mammalian species, which suggests that this missense change does not adversely affect protein function. In summary, the available evidence is currently insufficient to determine the role of this variant in disease. Therefore, it has been classified as a Variant of Uncertain Significance.

Ambry Genetics
Classification: Likely benign. Last evaluated: 2025-07-29. Review status: criteria provided, single submitter. Criteria: Ambry Variant Classification Scheme 2023. Collection method: clinical testing. Allele origin: germline.

Women's Health and Genetics/Laboratory Corporation of America, LabCorp
Classification: Uncertain significance. Last evaluated: 2024-01-22. Review status: criteria provided, single submitter. Criteria: LabCorp Variant Classification Summary - May 2015. Collection method: clinical testing. Allele origin: germline.
Comment: Variant summary: SLC44A4 c.22G>A (p.Glu8Lys) results in a conservative amino acid change in the encoded protein sequence. Five of five in-silico tools predict a benign effect of the variant on protein function. The variant allele was found at a frequency of 8e-05 in 250804 control chromosomes, including 20 heterozygotes. To our knowledge, no occurrence of c.22G>A in individuals affected with Hearing Loss, Autosomal Dominant 72 and no experimental evidence demonstrating its impact on protein function have been reported. ClinVar contains an entry for this variant (Variation ID: 1368898). Based on the evidence outlined above, the variant was classified as VUS-possibly benign.